The following is an entry in ClinVar:

NM_001267550.2(TTN):c.96315T>G (p.Thr32105=)

Genes: TTN (titin; minus strand), TTN-AS1 (TTN antisense RNA 1; plus strand), LOC126806421 (CDK7 strongly-dependent group 2 enhancer GRCh37_chr2:179407630-179408829; plus strand). Cytogenetic location: 2q31.2.
Variant type: single nucleotide variant.
Coding change: c.96315T>G on transcript NM_001267550.2 (MANE Select); coding-DNA position 96315, T replaced by G.
Protein change: p.Thr32105=; no amino-acid change (threonine 32105 retained).
Molecular consequence: synonymous variant.
Genome position (GRCh38, 1-based): chr2:178,543,658, A>C on the plus strand (T>G on the coding strand, the complement: TTN is on the minus strand). VCF-style: chr2-178543658-A-C. GRCh37 (hg19) VCF-style: chr2-179408385-A-C.
Other names: c.91392T>G, p.Thr30464= (NM_001256850.1); c.69120T>G, p.Thr23040= (NM_003319.4); c.69495T>G, p.Thr23165= (NM_133432.3); c.69696T>G, p.Thr23232= (NM_133437.4); c.88611T>G, p.Thr29537= (NM_133378.4).
Identifiers: ClinVar variation 165703 (VCV000165703.39), dbSNP rs727503540, ClinGen allele CA178404.
Genomic context (GRCh38, chr2:178,543,658, plus strand): 5'-AGTTATAGTCACAGAATCTCTTGATACTTCCTTAACTTTCACTGAAGGACAGGGACCAGG[A>C]GTATCTGAAAAACAGAATGAAAGATTCATATTTCCTATTTGCCTGATAGCTTTTTTTTTC-3'
Protein context (NP_001254479.2, residues 32095-32115): SATVLVKVYD[Thr32105=]PGPCPSVKVK

ClinVar aggregate classification (germline): Likely benign. Review status: criteria provided, multiple submitters, no conflicts (2 of 4 stars). 3 submissions from 3 submitters: Likely benign (3). Last evaluated 2025-03-07.

Conditions:
Dilated cardiomyopathy 1G (CMD1G). Identifiers: Orphanet 154, MedGen C1858763, MONDO:0011400, OMIM 604145.
Autosomal recessive limb-girdle muscular dystrophy type 2J (LGMDR10). Also called: Limb-girdle muscular dystrophy, type 2J; MUSCULAR DYSTROPHY, LIMB-GIRDLE, AUTOSOMAL RECESSIVE 10. Identifiers: Orphanet 140922, MedGen C1837342, MONDO:0012127, OMIM 608807.

Allele frequency attached by ClinVar (database versions not stated): gnomAD exomes below 0.00001; gnomAD 0.00001; TOPMed 0.00001.
gnomAD v4.1: 5 of 1,580,440 alleles (0.00032%); highest among the groups gnomAD compares: Non-Finnish European, 0.00043%; no homozygotes.

Submissions (3):

Labcorp Genetics (formerly Invitae), Labcorp
Classification: Likely benign for Dilated cardiomyopathy 1G; Autosomal recessive limb-girdle muscular dystrophy type 2J. Last evaluated: 2025-03-07. Review status: criteria provided, single submitter. Criteria: Invitae Variant Classification Sherloc (09022015). Collection method: clinical testing. Allele origin: germline.

CeGaT Center for Human Genetics Tuebingen
Classification: Likely benign. Last evaluated: 2022-08-01. Review status: criteria provided, single submitter. Criteria: CeGaT Center For Human Genetics Tuebingen Variant Classification Criteria Version 2. Collection method: clinical testing. Allele origin: germline. Affected: yes. Observed: 1 variant allele.
Comment: TTN: BP4, BP7

Laboratory for Molecular Medicine, Mass General Brigham Personalized Medicine
Classification: Likely benign. Last evaluated: 2014-03-18. Review status: criteria provided, single submitter. Criteria: LMM Criteria. Collection method: clinical testing. Allele origin: germline. Observed: 1 variant allele.
Comment: Thr29537Thr in exon 296 of TTN: This variant is not expected to have clinical s ignificance because it does not alter an amino acid residue and is not located w ithin the splice consensus sequence.